The following is an entry in ClinVar:

NM_030962.4(SBF2):c.4257+6C>G

Genes: SBF2 (SET binding factor 2; minus strand), SBF2-AS1 (SBF2 antisense RNA 1; plus strand). Cytogenetic location: 11p15.4.
Variant type: single nucleotide variant.
Coding change: c.4257+6C>G on transcript NM_030962.4 (MANE Select); 6 bases into the intron after coding-DNA position 4257, C replaced by G.
Molecular consequence: intron variant. On other transcripts: non-coding transcript variant (1).
Genome position (GRCh38, 1-based): chr11:9,808,895, G>C on the plus strand (C>G on the coding strand, the complement: SBF2 is on the minus strand). VCF-style: chr11-9808895-G-C. GRCh37 (hg19) VCF-style: chr11-9830442-G-C.
Other names: c.4128+6C>G (NM_001386342.1); c.4353+6C>G (NM_001386339.1).
Identifiers: ClinVar variation 840558 (VCV000840558.11), dbSNP rs370274486, ClinGen allele CA5881017.
Genomic context (GRCh38, chr11:9,808,895, plus strand): 5'-AGAATTTAAAAATGACCAAATGGAAATATAAATATAAAATATCAAAAAATATGTCTAATA[G>C]TTTACTTGTGCAGTGATGTCCCAGCCTTCCTCCAAACAGACCAAAACTGAGGAACCATTC-3'

ClinVar aggregate classification (germline): Uncertain significance. Review status: criteria provided, multiple submitters, no conflicts (2 of 4 stars). 2 submissions from 2 submitters: Uncertain significance (2). Last evaluated 2024-07-23.

Conditions:
Charcot-Marie-Tooth disease type 4. Also called: Charcot-Marie-Tooth, Type 4; Charcot-Marie-Tooth disease, type IV. Identifiers: Orphanet 64749, MedGen C4082197, MONDO:0018995.

Allele frequency attached by ClinVar (database versions not stated): gnomAD exomes 0.00002; gnomAD 0.00007 and 0.00008; ExAC 0.00002; TOPMed 0.00006.
gnomAD v4.1: 18 of 1,590,928 alleles (0.0011%); highest among the groups gnomAD compares: African/African-American, 0.021%; no homozygotes.

Submissions (2):

Labcorp Genetics (formerly Invitae), Labcorp
Classification: Uncertain significance for Charcot-Marie-Tooth disease type 4. Last evaluated: 2024-07-23. Review status: criteria provided, single submitter. Criteria: Invitae Variant Classification Sherloc (09022015). Collection method: clinical testing. Allele origin: germline.
Comment: This sequence change falls in intron 31 of the SBF2 gene. It does not directly change the encoded amino acid sequence of the SBF2 protein. It affects a nucleotide within the consensus splice site. This variant is present in population databases (rs370274486, gnomAD 0.02%). This variant has not been reported in the literature in individuals affected with SBF2-related conditions. ClinVar contains an entry for this variant (Variation ID: 840558). Variants that disrupt the consensus splice site are a relatively common cause of aberrant splicing (PMID: 17576681, 9536098). Algorithms developed to predict the effect of sequence changes on RNA splicing suggest that this variant is not likely to affect RNA splicing. In summary, the available evidence is currently insufficient to determine the role of this variant in disease. Therefore, it has been classified as a Variant of Uncertain Significance.

Athena Diagnostics
Classification: Uncertain significance. Last evaluated: 2023-07-20. Review status: criteria provided, single submitter. Criteria: Athena Diagnostics Criteria. Collection method: clinical testing. Allele origin: unknown.
Comment: Available data are insufficient to determine the clinical significance of the variant at this time. The frequency of this variant in the general population is uninformative in assessment of its pathogenicity. Computational tools yielded inconclusive predictions regarding the effect of this variant on RNA splicing.

Literature cited by the submitters: PubMed 17576681 (cited by Labcorp Genetics (formerly Invitae), Labcorp); PubMed 9536098 (cited by Labcorp Genetics (formerly Invitae), Labcorp).